The following is an entry in ClinVar:

ClinVar aggregate classification (germline): Conflicting classifications of pathogenicity. Review status: criteria provided, conflicting classifications (1 of 4 stars). 4 submissions from 4 submitters: Uncertain significance (3); Benign (1). Last evaluated 2026-08-29.

Conditions:
Familial thoracic aortic aneurysm and aortic dissection (TAAD). Also called: Thoracic aortic aneurysms and dissections. Identifiers: Orphanet 91387, MedGen C4707243, MONDO:0019625.
Frontometaphyseal dysplasia (FMD1). Identifiers: Orphanet 1826, MedGen C0265293, MONDO:0015942.
Melnick-Needles syndrome (MNS). Also called: Melnick-Needles Syndrome (FLNA-MNS); OSTEODYSPLASTY OF MELNICK AND NEEDLES; MELNICK-NEEDLES OSTEODYSPLASTY. Identifiers: Orphanet 2484, MedGen C0025237, MONDO:0010650, OMIM 309350.
Oto-palato-digital syndrome, type II (OPD2). Also called: Otopalatodigital Syndrome Type 2 (FLNA-OPD2); Otopalatodigital Syndrome, Type II; OPD II SYNDROME; FACIOPALATOOSSEOUS SYNDROME. Identifiers: Orphanet 669, Orphanet 90652, MedGen C1844696, MONDO:0010571, OMIM 304120.
Heterotopia, periventricular, X-linked dominant (PVNH1). Also called: PERIVENTRICULAR NODULAR HETEROTOPIA 4; HETEROTOPIA, PERIVENTRICULAR, 1; PERIVENTRICULAR NODULAR HETEROTOPIA 1; X-linked periventricular heterotopia. Identifiers: Orphanet 2149, Orphanet 82004, MedGen C1848213, MONDO:0010233, OMIM 300049.

Allele frequency attached by ClinVar (database versions not stated): ExAC 0.00001; gnomAD exomes 0.00001 and 0.00003; gnomAD 0.00003; TOPMed 0.00003; ESP Exome Variant Server 0.00010.

Submissions (4):

Ambry Genetics
Classification: Uncertain significance for Familial thoracic aortic aneurysm and aortic dissection. Last evaluated: 2026-08-29. Review status: criteria provided, single submitter. Criteria: Ambry Variant Classification Scheme 2023. Collection method: clinical testing. Allele origin: germline.
Comment: The p.A1175T variant (also known as c.3523G>A), located in coding exon 21 of the FLNA gene, results from a G to A substitution at nucleotide position 3523. The alanine at codon 1175 is replaced by threonine, an amino acid with similar properties. This amino acid position is conserved. In addition, this alteration is predicted to be tolerated by in silico analysis. Based on the available evidence, the clinical significance of this variant remains unclear.

Labcorp Genetics (formerly Invitae), Labcorp
Classification: Benign for Oto-palato-digital syndrome, type II; Heterotopia, periventricular, X-linked dominant; Frontometaphyseal dysplasia; Melnick-Needles syndrome. Last evaluated: 2025-11-17. Review status: criteria provided, single submitter. Criteria: Invitae Variant Classification Sherloc (09022015). Collection method: clinical testing. Allele origin: germline.

Women's Health and Genetics/Laboratory Corporation of America, LabCorp
Classification: Uncertain significance. Last evaluated: 2023-12-17. Review status: criteria provided, single submitter. Criteria: LabCorp Variant Classification Summary - May 2015. Collection method: clinical testing. Allele origin: germline.

CeGaT Center for Human Genetics Tuebingen
Classification: Uncertain significance. Last evaluated: 2017-05-01. Review status: criteria provided, single submitter. Criteria: CeGaT Center For Human Genetics Tuebingen Variant Classification Criteria Version 2. Collection method: clinical testing. Allele origin: germline. Affected: yes. Observed: 1 variant allele.

NM_001110556.2(FLNA):c.3523G>A (p.Ala1175Thr)

Gene: FLNA (filamin A; minus strand). Cytogenetic location: Xq28.
Variant type: single nucleotide variant.
Coding change: c.3523G>A on transcript NM_001110556.2 (MANE Select); coding-DNA position 3523, G replaced by A.
Protein change: p.Ala1175Thr; replaces alanine 1175 with threonine.
Molecular consequence: missense variant.
Genome position (GRCh38, 1-based): chrX:154,360,272, C>T on the plus strand (G>A on the coding strand, the complement: FLNA is on the minus strand). VCF-style: chrX-154360272-C-T. GRCh37 (hg19) VCF-style: chrX-153588640-C-T.
Other names: c.3523G>A, p.Ala1175Thr (NM_001456.4); short protein forms A1175T.
Identifiers: ClinVar variation 405449 (VCV000405449.52), dbSNP rs370202395, ClinGen allele CA10560695.